The following is an entry in ClinVar:

NM_002430.3(MN1):c.2769C>T (p.Thr923=)

Gene: MN1 (MN1 proto-oncogene, transcriptional regulator; minus strand). Cytogenetic location: 22q12.1.
Variant type: single nucleotide variant.
Coding change: c.2769C>T on transcript NM_002430.3 (MANE Select); coding-DNA position 2769, C replaced by T.
Protein change: p.Thr923=; no amino-acid change (threonine 923 retained).
Molecular consequence: synonymous variant.
Genome position (GRCh38, 1-based): chr22:27,797,775, G>A on the plus strand (C>T on the coding strand, the complement: MN1 is on the minus strand). VCF-style: chr22-27797775-G-A. GRCh37 (hg19) VCF-style: chr22-28193763-G-A.
Identifiers: ClinVar variation 3905895 (VCV003905895.10).

ClinVar aggregate classification (germline): Likely benign (1 of 4 stars; one submission).

Submission:

CeGaT Center for Human Genetics Tuebingen
Classification: Likely benign. Last evaluated: 2025-06-01. Review status: criteria provided, single submitter. Criteria: CeGaT Center For Human Genetics Tuebingen Variant Classification Criteria Version 2. Collection method: clinical testing. Allele origin: germline. Affected: yes. Observed: 1 variant allele.
Comment: MN1: BP4, BP7